The following is an entry in ClinVar:

ClinVar aggregate classification (germline): Conflicting classifications of pathogenicity. Review status: criteria provided, conflicting classifications (1 of 4 stars). 3 submissions from 3 submitters: Likely pathogenic (2); Uncertain significance (1). Last evaluated 2025-05-15.

Conditions:
GJA1-related disorders.
GJA1-related disorder. Also called: GJA1-related condition.

Submissions (3):

PreventionGenetics, part of Exact Sciences
Classification: Likely pathogenic for GJA1-related condition. Last evaluated: 2025-05-15. Review status: criteria provided, single submitter. Criteria: ACMG Guidelines, 2015. Collection method: clinical testing. Allele origin: germline.
Comment: The GJA1 c.284A>G variant is predicted to result in the amino acid substitution p.His95Arg. This variant has been reported in three individuals with oculodentodigital dysplasia (Honkaniemi et al 2005. PubMed ID: 16222672; Paznekas et al. 2009. PubMed ID: 19338053). The variant was confirmed de novo and segregated with oculodentodigital dysplasia in a family (Honkaniemi et al 2005. PubMed ID: 16222672). This variant has not been reported in a large population database, indicating this variant is rare. This variant is interpreted as likely pathogenic.

Blueprint Genetics
Classification: Likely pathogenic for GJA1-related disorders. Last evaluated: 2022-11-21. Review status: criteria provided, single submitter. Criteria: ACMG Guidelines, 2015. Collection method: clinical testing. Allele origin: germline. Affected: yes. Observed: 1 variant allele.

GeneDx
Classification: Uncertain significance. Last evaluated: 2022-04-21. Review status: criteria provided, single submitter. Criteria: GeneDx Variant Classification Process June 2021. Collection method: clinical testing. Allele origin: germline. Affected: yes.
Comment: Not observed at significant frequency in large population cohorts (gnomAD); In silico analysis supports that this missense variant has a deleterious effect on protein structure/function; This variant is associated with the following publications: (PMID: 19338053, 32318302, 28950687, 16222672)

NM_000165.5(GJA1):c.284A>G (p.His95Arg)

Gene: GJA1 (gap junction protein alpha 1; plus strand). Cytogenetic location: 6q22.31.
Variant type: single nucleotide variant.
Coding change: c.284A>G on transcript NM_000165.5 (MANE Select); coding-DNA position 284, A replaced by G.
Protein change: p.His95Arg; replaces histidine 95 with arginine.
Molecular consequence: missense variant.
Genome position (GRCh38, 1-based): chr6:121,447,131, A>G. VCF-style: chr6-121447131-A-G. GRCh37 (hg19) VCF-style: chr6-121768277-A-G.
Other names: c.284A>G (NM_000165.4); short protein forms H95R.
Identifiers: ClinVar variation 1712162 (VCV001712162.5), dbSNP rs2536821604, ClinGen allele CA365558536.
Genomic context (GRCh38, chr6:121,447,131, plus strand): 5'-TGCGCTTCTGGGTCCTGCAGATCATATTTGTGTCTGTACCCACACTCTTGTACCTGGCTC[A>G]TGTGTTCTATGTGATGCGAAAGGAAGAGAAACTGAACAAGAAAGAGGAAGAACTCAAGGT-3'
Protein context (NP_000156.1, residues 85-105): VSVPTLLYLA[His95Arg]VFYVMRKEEK